The following is an entry in ClinVar:

ClinVar aggregate classification (germline): Uncertain significance (1 of 4 stars; one submission).

Submission:

CeGaT Center for Human Genetics Tuebingen
Classification: Uncertain significance. Last evaluated: 2023-04-01. Review status: criteria provided, single submitter. Criteria: CeGaT Center For Human Genetics Tuebingen Variant Classification Criteria Version 2. Collection method: clinical testing. Allele origin: germline. Affected: yes. Observed: 1 variant allele.
Comment: SH2D1A: PM2, PP3

NM_002351.5(SH2D1A):c.202-9_202-7del

Gene: SH2D1A (SH2 domain containing 1A; plus strand). Cytogenetic location: Xq25.
Variant type: Deletion.
Coding change: c.202-9_202-7del on transcript NM_002351.5 (MANE Select); 9 bases into the intron before coding-DNA position 202 through 7 bases into the intron before coding-DNA position 202, 3 bases deleted (ATT; older notation c.202-9_202-7delATT).
Molecular consequence: intron variant.
Genome position (GRCh38, 1-based): chrX:124,370,167-124,370,169, ATT deleted; deleting any 3 consecutive bases within chrX:124,370,165-124,370,169 gives the same sequence; the c. name uses the placement nearest the transcript's 3' end. VCF-style (leftmost placement, unchanged base first): chrX-124370164-TTTA-T. GRCh37 (hg19) VCF-style: chrX-123504014-TTTA-T.
Other names: c.202-9_202-7del (NM_001114937.3).
Identifiers: ClinVar variation 2571379 (VCV002571379.27), dbSNP rs2522818932, ClinGen allele CA2580612479.